The following is an entry in ClinVar:

NM_002335.4(LRP5):c.1735G>C (p.Asp579His)

Gene: LRP5 (LDL receptor related protein 5; plus strand). Cytogenetic location: 11q13.2.
Variant type: single nucleotide variant.
Coding change: c.1735G>C on transcript NM_002335.4 (MANE Select); coding-DNA position 1735, G replaced by C.
Protein change: p.Asp579His; replaces aspartic acid 579 with histidine.
Molecular consequence: missense variant. On other transcripts: 5 prime UTR variant (1).
Genome position (GRCh38, 1-based): chr11:68,403,633, G>C. VCF-style: chr11-68403633-G-C. GRCh37 (hg19) VCF-style: chr11-68171101-G-C.
Other names: c.-203G>C (NM_001291902.2); short protein forms D579H.
Identifiers: ClinVar variation 2841408 (VCV002841408.3), dbSNP rs2496699107, ClinGen allele CA381614514.
Genomic context (GRCh38, chr11:68,403,633, plus strand): 5'-TACTGGACTGACTGGCAGCGCCGCAGCATCGAGCGGGTGCACAAGGTCAAGGCCAGCCGG[G>C]ACGTCATCATTGACCAGCTGCCCGACCTGATGGGGCTCAAAGCTGTGAATGTGGCCAAGG-3'
Protein context (NP_002326.2, residues 569-589): ERVHKVKASR[Asp579His]VIIDQLPDLM

ClinVar aggregate classification (germline): Uncertain significance (1 of 4 stars; one submission).

Submission:

Labcorp Genetics (formerly Invitae), Labcorp
Classification: Uncertain significance. Last evaluated: 2023-05-23. Review status: criteria provided, single submitter. Criteria: Invitae Variant Classification Sherloc (09022015). Collection method: clinical testing. Allele origin: germline.
Comment: Advanced modeling of protein sequence and biophysical properties (such as structural, functional, and spatial information, amino acid conservation, physicochemical variation, residue mobility, and thermodynamic stability) performed at Invitae indicates that this missense variant is not expected to disrupt LRP5 protein function. In summary, the available evidence is currently insufficient to determine the role of this variant in disease. Therefore, it has been classified as a Variant of Uncertain Significance. This variant has not been reported in the literature in individuals affected with LRP5-related conditions. This variant is not present in population databases (gnomAD no frequency). This sequence change replaces aspartic acid, which is acidic and polar, with histidine, which is basic and polar, at codon 579 of the LRP5 protein (p.Asp579His).